The following is an entry in ClinVar:

NM_000059.4(BRCA2):c.3390del (p.Phe1130fs)

Gene: BRCA2 (BRCA2 DNA repair associated; plus strand). Cytogenetic location: 13q13.1.
Variant type: Deletion.
Coding change: c.3390del on transcript NM_000059.4 (MANE Select); coding-DNA position 3390, one base deleted (T; older notation c.3390delT).
Protein change: p.Phe1130fs; shifts the reading frame from phenylalanine 1130.
Molecular consequence: frameshift variant.
Genome position (GRCh38, 1-based): chr13:32,337,745, T deleted; the last of 3 consecutive T bases (chr13:32,337,743-32,337,745); deleting any one gives the same sequence. VCF-style (leftmost placement, unchanged base first): chr13-32337742-GT-G. GRCh37 (hg19) VCF-style: chr13-32911879-GT-G.
Other names: 3618delT; short protein forms F1130fs.
Identifiers: ClinVar variation 266749 (VCV000266749.3), dbSNP rs886040473, ClinGen allele CA10589201.
Genomic context (GRCh38, chr13:32,337,742, plus strand): 5'-AGAAATTACAGAACTTTCTACTATATTAGAAGAATCAGGAAGTCAGTTTGAATTTACTCA[GT>G]TTAGAAAACCAAGCTACATATTGCAGAAGAGTACATTTGAAGTGCCTGAAAACCAGATGA-3'

ClinVar aggregate classification (germline): Pathogenic (3 of 4 stars; one submission).

Conditions:
Breast-ovarian cancer, familial, susceptibility to, 2 (BROVCA2). Also called: BRCA2 Hereditary Breast and Ovarian Cancer. Identifiers: Orphanet 145, MedGen C2675520, MONDO:0012933, OMIM 612555. Disease mechanism: loss of function.

Submission:

Evidence-based Network for the Interpretation of Germline Mutant Alleles (ENIGMA)
Classification: Pathogenic for Breast-ovarian cancer, familial, susceptibility to, 2. Last evaluated: 2016-10-18. Review status: reviewed by expert panel. Criteria: ENIGMA BRCA1/2 Classification Criteria (2015). Collection method: curation. Allele origin: germline.
Comment: Variant allele predicted to encode a truncated non-functional protein.